The following is an entry in ClinVar:

NM_201253.3(CRB1):c.2290C>T (p.Arg764Cys)

Gene: CRB1 (crumbs cell polarity complex component 1; plus strand). Cytogenetic location: 1q31.3.
Variant type: single nucleotide variant.
Coding change: c.2290C>T on transcript NM_201253.3 (MANE Select); coding-DNA position 2290, C replaced by T.
Protein change: p.Arg764Cys; replaces arginine 764 with cysteine.
Molecular consequence: missense variant. On other transcripts: non-coding transcript variant (2), intron variant (1).
Genome position (GRCh38, 1-based): chr1:197,427,615, C>T. VCF-style: chr1-197427615-C-T. GRCh37 (hg19) VCF-style: chr1-197396745-C-T.
Other names: NP_957705.1:p.(Arg764Cys); c.1954C>T, p.Arg652Cys (NM_001193640.2); c.2083C>T, p.Arg695Cys (NM_001257965.2); c.2128+5659C>T (NM_001257966.2); short protein forms R764C, R652C, R695C.
Identifiers: ClinVar variation 5732 (VCV000005732.80), dbSNP rs62635654, ClinGen allele CA228006.

ClinVar aggregate classification (germline): Pathogenic/Likely pathogenic. Review status: criteria provided, multiple submitters, no conflicts (2 of 4 stars). 31 submissions from 28 submitters: Pathogenic (13); Likely pathogenic (11). 7 of the submissions do not count toward it. Last evaluated 2026-02-02.

Conditions:
CRB1-related disorder. Also called: CRB1-related disorders; CRB1-related condition.
Retinoschisis of fovea. Identifiers: MedGen C1849397, MONDO:0009988, OMIM 268080.
Retinitis pigmentosa 12 (RP12). Also called: RP WITH OR WITHOUT PRESERVED PARAARTERIOLE RETINAL PIGMENT EPITHELIUM; RETINITIS PIGMENTOSA WITH OR WITHOUT PARAARTERIOLAR PRESERVATION OF RETINAL PIGMENT EPITHELIUM; RP WITH OR WITHOUT PPRPE. Identifiers: Orphanet 791, MedGen C1838647, MONDO:0010818, OMIM 600105.
Macular dystrophy. Identifiers: MedGen C0730292, HP:0007754.
Leber congenital amaurosis 8 (LCA8). Identifiers: Orphanet 65, MedGen C3151202, MONDO:0013453, OMIM 613835.
Cone-rod dystrophy. Also called: Cone/cone-rod dystrophy; Cone-rod degeneration. Identifiers: Orphanet 1872, MedGen C4085590, MONDO:0015993, HP:0000548.
CRB1-related maculopathy.
Pigmented paravenous retinochoroidal atrophy. Identifiers: Orphanet 251295, MedGen C1868310, MONDO:0008246, OMIM 172870.
Retinal dystrophy. Also called: Inherited retinal dystrophy. Identifiers: Orphanet 71862, MedGen C0854723, MeSH D058499, MONDO:0019118, HP:0000556.
Retinitis pigmentosa (RP). Identifiers: Orphanet 791, MedGen C0035334, MeSH D012174, MONDO:0019200, OMIM 268000. Inheritance: Autosomal dominant, autosomal recessive and X linked inheritance.
Leber congenital amaurosis (LCA). Also called: Leber's amaurosis. Identifiers: Orphanet 65, MedGen C0339527, MeSH D057130, MONDO:0018998.
Retinitis pigmentosa-deafness syndrome. Also called: Dystrophia retinae pigmentosa-dysostosis syndrome; Graefe-Usher syndrome; Hallgren syndrome; RETINITIS PIGMENTOSA 21; RETINITIS PIGMENTOSA 8; Retinitis pigmentosa 8, formerly. Identifiers: MedGen C5779620, MONDO:0010775, OMIM 500004.

Allele frequency attached by ClinVar (database versions not stated): gnomAD 0.00004 and 0.00005; TOPMed 0.00005.

Submissions 1 to 16 of 31:

PreventionGenetics, part of Exact Sciences
Classification: Pathogenic for CRB1-related condition. Last evaluated: 2026-02-02. Review status: criteria provided, single submitter. Criteria: ACMG Guidelines, 2015. Collection method: clinical testing. Allele origin: germline.
Comment: The CRB1 c.2290C>T variant is predicted to result in the amino acid substitution p.Arg764Cys. This variant has been documented to be causative for autosomal recessive retinitis pigmentosa (RP) and autosomal recessive Leber congenital amaurosis (see for example: den Hollander et al. 1999. PubMed ID: 10508521; Wang et al. 2015. PubMed ID: 26047050; Corton et al. 2013. PubMed ID: 23379534). This variant is reported in 0.012% of alleles in individuals of European (Non-Finnish) descent in gnomAD. This variant is interpreted as pathogenic.

Labcorp Genetics (formerly Invitae), Labcorp
Classification: Pathogenic for Leber congenital amaurosis 8; Retinitis pigmentosa 12. Last evaluated: 2026-01-21. Review status: criteria provided, single submitter. Criteria: Invitae Variant Classification Sherloc (09022015). Collection method: clinical testing. Allele origin: germline.
Comment: This sequence change replaces arginine, which is basic and polar, with cysteine, which is neutral and slightly polar, at codon 764 of the CRB1 protein (p.Arg764Cys). This variant is present in population databases (rs62635654, gnomAD 0.01%). This missense change has been observed in individual(s) with CRB1-related retinopathy (PMID: 10508521, 11389483, 12700176, 20956273, 24512366, 26047050, 28129017, 28341475). In at least one individual the data is consistent with being in trans (on the opposite chromosome) from a pathogenic variant. It has also been observed to segregate with disease in related individuals. ClinVar contains an entry for this variant (Variation ID: 5732). An algorithm developed to predict the effect of missense changes on protein structure and function outputs the following: PolyPhen-2: "Benign". The cysteine amino acid residue is found in multiple mammalian species, which suggests that this missense change does not adversely affect protein function. For these reasons, this variant has been classified as Pathogenic.

Institute of Immunology and Genetics Kaiserslautern
Classification: Pathogenic for Pigmented paravenous retinochoroidal atrophy; Retinitis pigmentosa 12. Last evaluated: 2025-10-22. Review status: criteria provided, single submitter. Criteria: ACMG Guidelines, 2015. Collection method: clinical testing. Allele origin: germline. Affected: yes.
Comment: ACMG Criteria: PM1, PM2_P, PM3, PM5; PP1_S, PP5; Variant was found in heterozygous state.

Natera, Inc.
Classification: Pathogenic for Leber congenital amaurosis. Last evaluated: 2025-10-22. Review status: criteria provided, single submitter. Criteria: Natera Variant Classification Schema (03/2026). Collection method: clinical testing. Allele origin: germline.
Comment: The c.2290C>T variant in CRB1 is a missense variant predicted to cause substitution of arginine to cysteine at amino acid 764. This variant is rare in the general population with a frequency below the threshold expected for the associated phenotype(s). This variant has been observed in one or more individuals affected with the associated recessive disease, as either homozygous or compound heterozygous with a second variant (PMID: 31736247, 33579689, 18055820). Given the available evidence, this variant is classified as Pathogenic.

GeneDx
Classification: Pathogenic. Last evaluated: 2025-07-02. Review status: criteria provided, single submitter. Criteria: GeneDx Variant Classification Process June 2021. Collection method: clinical testing. Allele origin: germline. Affected: yes.
Comment: In silico analysis supports that this missense variant has a deleterious effect on protein structure/function; This variant is associated with the following publications: (PMID: 28129017, 10508521, 20956273, 31429209, 32531858, 33970760, 34003923, 34758253, 31964843, 36460718, 36087940, 36819107, 37217489, 37734845, 24512366, 26047050, 27670293, 28341475, 23379534, 29391521, 28559085, 31980526, 31630094, 31589614, 35119454, 34884448, 31736247, 34426522, 33969091, 34946856, 33546218, 30718709, 32507488, 38219857, 38347443)

3billion
Classification: Likely pathogenic for CRB1-related disorder. Last evaluated: 2024-12-06. Review status: criteria provided, single submitter. Criteria: ACMG Guidelines, 2015. Collection method: clinical testing. Allele origin: germline. Affected: yes.
Comment: The variant is observed at an extremely low frequency in the gnomAD v4.1.0 dataset (total allele frequency: 0.010%). Predicted Consequence/Location: Missense variant In silico tool predictions suggest damaging effect of the variant on gene or gene product [3Cnet: 0.98 (>=0.6, sensitivity 0.72 and precision 0.9)]. The same nucleotide change resulting in the same amino acid change has been previously reported as pathogenic/likely pathogenic with strong evidence (ClinVar ID: VCV000005732 /PMID: 10508521 /3billion dataset). A different missense change at the same codon (p.Arg764His) has been reported as pathogenic/likely pathogenic with strong evidence (ClinVar ID: VCV000166958 /PMID: 23379534). Therefore, this variant is classified as Likely pathogenic according to the recommendation of ACMG/AMP guideline.

Lab De Baere, Eye and Developmental Genetics Lab, Ghent University
Classification: Likely pathogenic for Retinitis pigmentosa. Last evaluated: 2024-10-01. Review status: criteria provided, single submitter. Criteria: ACMG Guidelines, 2015. Collection method: research. Allele origin: inherited. Affected: yes. Observed: 1 variant allele.
Comment: ACMG/AMP guidelines: PM2_PP, PP4_PP, PM5, PP1, PM3_PS

Lab De Baere, Eye and Developmental Genetics Lab, Ghent University
Classification: Likely pathogenic for Cone-rod dystrophy. Last evaluated: 2024-10-01. Review status: criteria provided, single submitter. Criteria: ACMG Guidelines, 2015. Collection method: research. Allele origin: inherited. Affected: yes. Observed: 1 variant allele.
Comment: the same text as in the submission from Lab De Baere, Eye and Developmental Genetics Lab, Ghent University above.

Blueprint Genetics
Classification: Pathogenic for CRB1-related disorders. Last evaluated: 2024-07-04. Review status: criteria provided, single submitter. Criteria: ACMG Guidelines, 2015. Collection method: clinical testing. Allele origin: germline. Affected: yes. Observed: 5 variant alleles.

Ophthalmic Genetics Group, Institute of Molecular and Clinical Ophthalmology Basel
Classification: Pathogenic for Retinal dystrophy. Last evaluated: 2024-05-27. Review status: criteria provided, single submitter. Criteria: ACMG Guidelines, 2015. Collection method: research. Allele origin: germline. Affected: yes. Observed: 6 variant alleles.
Comment: This variant was classified as Pathogenic based on ACMG criteria: PM1_mod, PM2_mod, PM3_very strong, PM5_mod, PP1_sup and PP2_sup

Baylor Genetics
Classification: Pathogenic for Leber congenital amaurosis 8. Last evaluated: 2024-03-21. Review status: criteria provided, single submitter. Criteria: ACMG Guidelines, 2015. Collection method: clinical testing. Allele origin: unknown.

Fulgent Genetics
Classification: Pathogenic for Pigmented paravenous retinochoroidal atrophy; Retinitis pigmentosa 12; Leber congenital amaurosis 8. Last evaluated: 2024-03-21. Review status: criteria provided, single submitter. Criteria: ACMG Guidelines, 2015. Collection method: clinical testing. Allele origin: germline.

Revvity Omics, Revvity
Classification: Likely pathogenic. Last evaluated: 2023-08-09. Review status: criteria provided, single submitter. Criteria: ACMG Guidelines, 2015. Collection method: clinical testing. Allele origin: germline.

Genome-Nilou Lab
Classification: Likely pathogenic for Leber congenital amaurosis 8. Last evaluated: 2023-04-11. Review status: criteria provided, single submitter. Criteria: ACMG Guidelines, 2015. Collection method: clinical testing. Allele origin: germline. Affected: no.

Genome-Nilou Lab
Classification: Likely pathogenic for Pigmented paravenous retinochoroidal atrophy. Last evaluated: 2023-04-11. Review status: criteria provided, single submitter. Criteria: ACMG Guidelines, 2015. Collection method: clinical testing. Allele origin: germline. Affected: no.

Genome-Nilou Lab
Classification: Likely pathogenic for Retinitis pigmentosa 12. Last evaluated: 2023-04-11. Review status: criteria provided, single submitter. Criteria: ACMG Guidelines, 2015. Collection method: clinical testing. Allele origin: germline. Affected: no.